The following is an entry in ClinVar:

ClinVar aggregate classification (germline): Uncertain significance. Review status: criteria provided, multiple submitters, no conflicts (2 of 4 stars). 2 submissions from 2 submitters: Uncertain significance (2). Last evaluated 2024-02-06.

Allele frequency attached by ClinVar (database versions not stated): ExAC 0.00001; gnomAD exomes 0.00001; TOPMed 0.00002; gnomAD 0.00003.
gnomAD v4.1: 15 of 1,614,106 alleles (0.00093%); highest among the groups gnomAD compares: East Asian, 0.027%; no homozygotes.

Submissions (2):

Ambry Genetics
Classification: Uncertain significance. Last evaluated: 2024-02-06. Review status: criteria provided, single submitter. Criteria: Ambry Variant Classification Scheme 2023. Collection method: clinical testing. Allele origin: germline.

Labcorp Genetics (formerly Invitae), Labcorp
Classification: Uncertain significance. Last evaluated: 2023-06-28. Review status: criteria provided, single submitter. Criteria: Invitae Variant Classification Sherloc (09022015). Collection method: clinical testing. Allele origin: germline.
Comment: In summary, the available evidence is currently insufficient to determine the role of this variant in disease. Therefore, it has been classified as a Variant of Uncertain Significance. An algorithm developed to predict the effect of missense changes on protein structure and function (PolyPhen-2) suggests that this variant is likely to be disruptive. This variant has not been reported in the literature in individuals affected with FAT2-related conditions. This variant is present in population databases (rs769614959, gnomAD 0.05%). This sequence change replaces valine, which is neutral and non-polar, with methionine, which is neutral and non-polar, at codon 1988 of the FAT2 protein (p.Val1988Met).

NM_001447.3(FAT2):c.5962G>A (p.Val1988Met)

Genes: FAT2 (FAT atypical cadherin 2; minus strand), SLC36A1 (solute carrier family 36 member 1; plus strand). Cytogenetic location: 5q33.1.
Variant type: single nucleotide variant.
Coding change: c.5962G>A on transcript NM_001447.3 (MANE Select); coding-DNA position 5962, G replaced by A.
Protein change: p.Val1988Met; replaces valine 1988 with methionine.
Molecular consequence: missense variant.
Genome position (GRCh38, 1-based): chr5:151,545,165, C>T on the plus strand (G>A on the coding strand, the complement: FAT2 is on the minus strand). VCF-style: chr5-151545165-C-T. GRCh37 (hg19) VCF-style: chr5-150924726-C-T.
Other names: c.5962G>A (NM_001447.2); short protein forms V1988M.
Identifiers: ClinVar variation 2971592 (VCV002971592.4), dbSNP rs769614959, ClinGen allele CA3521200.